The following is an entry in ClinVar:

ClinVar aggregate classification (germline): Conflicting classifications of pathogenicity. Review status: criteria provided, conflicting classifications (1 of 4 stars). 7 submissions from 7 submitters: Uncertain significance (2); Likely benign (3). 2 of the submissions do not count toward it. Last evaluated 2026-02-04.

Conditions:
Decreased circulating carnitine concentration. Also called: Decreased plasma carnitine. Identifiers: MedGen C5848230, HP:0003234.
SLC22A5-related disorder. Also called: SLC22A5-related condition.
Renal carnitine transport defect (CDSP). Also called: Primary carnitine deficiency; Systemic primary carnitine deficiency; Carnitine Deficiency, Systemic; Systemic primary carnitine deficiency disease; CARNITINE DEFICIENCY, SYSTEMIC, DUE TO DEFECT IN RENAL REABSORPTION OF CARNITINE; CARNITINE TRANSPORTER, PLASMA-MEMBRANE, DEFICIENCY OF. Identifiers: Orphanet 158, MedGen C0342788, MONDO:0008919, OMIM 212140.

Allele frequency attached by ClinVar (database versions not stated): gnomAD exomes 0.00013 and 0.00048; gnomAD 0.00016 and 0.00022; TOPMed 0.00036; ExAC 0.00044; 1000 Genomes Project 30x 0.00094; 1000 Genomes Project 0.00100.
gnomAD v4.1: 226 of 1,614,192 alleles (0.014%); highest among the groups gnomAD compares: East Asian, 0.44%; no homozygotes.

Submissions (7):

Labcorp Genetics (formerly Invitae), Labcorp
Classification: Likely benign for Renal carnitine transport defect. Last evaluated: 2026-02-04. Review status: criteria provided, single submitter. Criteria: Invitae Variant Classification Sherloc (09022015). Collection method: clinical testing. Allele origin: germline.

Blueprint Genetics
Classification: Uncertain significance. Last evaluated: 2024-05-30. Review status: criteria provided, single submitter. Criteria: ACMG Guidelines, 2015. Collection method: clinical testing. Allele origin: germline.

Giacomini Lab, University of California, San Francisco
Classification: Likely benign for Renal carnitine transport defect. Last evaluated: 2022-10-03. Review status: criteria provided, single submitter. Criteria: ACMG Guidelines, 2015. Collection method: research, in vitro. Allele origin: germline, not applicable.

Genome-Nilou Lab
Classification: Likely benign for Renal carnitine transport defect. Last evaluated: 2021-07-15. Review status: criteria provided, single submitter. Criteria: ACMG Guidelines, 2015. Collection method: clinical testing. Allele origin: germline. Affected: no.

Illumina Laboratory Services, Illumina
Classification: Uncertain significance for Renal carnitine transport defect. Last evaluated: 2017-04-27. Review status: criteria provided, single submitter. Criteria: ICSL Variant Classification Criteria 13 December 2019. Collection method: clinical testing. Allele origin: germline.
Comment: This variant was observed as part of a predisposition screen in an ostensibly healthy population. A literature search was performed for the gene, cDNA change, and amino acid change (where applicable). Publications were found based on this search. However, the evidence from the literature, in combination with allele frequency data from public databases where available, was not sufficient to rule this variant in or out of causing disease. Therefore, this variant is classified as a variant of unknown significance.

PreventionGenetics, part of Exact Sciences
Classification: Likely benign for SLC22A5-related condition. Last evaluated: 2020-02-13. Review status: no assertion criteria provided. Collection method: clinical testing. Allele origin: germline. Not counted in ClinVar's aggregate classification.
Comment: This variant is classified as likely benign based on ACMG/AMP sequence variant interpretation guidelines (Richards et al. 2015 PMID: 25741868, with internal and published modifications).

Natera, Inc.
Classification: Benign for Carnitine deficiency. Last evaluated: 2019-12-13. Review status: no assertion criteria provided. Collection method: clinical testing. Allele origin: germline. Not counted in ClinVar's aggregate classification.

Literature cited by the submitters: PubMed 21864509 (cited by Illumina Laboratory Services, Illumina); PubMed 20208395 (cited by Illumina Laboratory Services, Illumina).

NM_003060.4(SLC22A5):c.904A>G (p.Lys302Glu)

Gene: SLC22A5 (solute carrier family 22 member 5; plus strand). Cytogenetic location: 5q31.1.
Variant type: single nucleotide variant.
Coding change: c.904A>G on transcript NM_003060.4 (MANE Select); coding-DNA position 904, A replaced by G.
Protein change: p.Lys302Glu; replaces lysine 302 with glutamic acid.
Molecular consequence: missense variant.
Genome position (GRCh38, 1-based): chr5:132,387,104, A>G. VCF-style: chr5-132387104-A-G. GRCh37 (hg19) VCF-style: chr5-131722796-A-G.
Other names: p.Lys302Glu; c.976A>G, p.Lys326Glu (NM_001308122.2); short protein forms K302E, K326E.
Identifiers: ClinVar variation 460419 (VCV000460419.28), dbSNP rs75783492, ClinGen allele CA3404008.